The following is an entry in ClinVar:

ClinVar aggregate classification (germline): Likely benign (1 of 4 stars; one submission).

Conditions:
Retinoblastoma (RB1). Also called: RETINOBLASTOMA, SOMATIC. Identifiers: Orphanet 790, MedGen C0035335, MeSH D012175, MONDO:0008380, OMIM 180200, HP:0009919. Disease mechanism: loss of function. Inheritance: Both sporadic and heritable forms are tested..

Submission:

Myriad Genetics, Inc.
Classification: Likely benign for Retinoblastoma. Last evaluated: 2026-06-18. Review status: criteria provided, single submitter. Criteria: Myriad Autosomal Dominant, Autosomal Recessive and X-Linked Classification Criteria (2023). Collection method: clinical testing. Allele origin: unknown.
Comment: This variant is considered likely benign. This variant is intronic and is not expected to impact mRNA splicing.

NM_000321.3(RB1):c.719-18A>T

Gene: RB1 (RB transcriptional corepressor 1; plus strand). Cytogenetic location: 13q14.2.
Variant type: single nucleotide variant.
Coding change: c.719-18A>T on transcript NM_000321.3 (MANE Select); 18 bases into the intron before coding-DNA position 719, A replaced by T.
Molecular consequence: intron variant.
Genome position (GRCh38, 1-based): chr13:48,362,797, A>T. VCF-style: chr13-48362797-A-T. GRCh37 (hg19) VCF-style: chr13-48936933-A-T.
Other names: c.719-18A>T (NM_001407165.1, NM_001407166.1).
Identifiers: ClinVar variation 4875848 (VCV004875848.1).
Genomic context (GRCh38, chr13:48,362,797, plus strand): 5'-CTAAGTTATAGTTAGAATACTTCATTATTTTATATGATGGATGTACAATTGTTCTTATCT[A>T]ATTTACCACTTTTACAGAAACAGCTGTTATACCCATTAATGGTTCACCTCGAACACCCAG-3'